The following is an entry in ClinVar:

NM_000069.3(CACNA1S):c.2490+5C>G

Gene: CACNA1S (calcium voltage-gated channel subunit alpha1 S; minus strand). Cytogenetic location: 1q32.1.
Variant type: single nucleotide variant.
Coding change: c.2490+5C>G on transcript NM_000069.3 (MANE Select); 5 bases into the intron after coding-DNA position 2490, C replaced by G.
Molecular consequence: intron variant.
Genome position (GRCh38, 1-based): chr1:201,069,467, G>C on the plus strand (C>G on the coding strand, the complement: CACNA1S is on the minus strand). VCF-style: chr1-201069467-G-C. GRCh37 (hg19) VCF-style: chr1-201038595-G-C.
Identifiers: ClinVar variation 3044476 (VCV003044476.4), dbSNP rs369813191, ClinGen allele CA079019.
Genomic context (GRCh38, chr1:201,069,467, plus strand): 5'-TGGGCACCAGACTGAGGCTGGAGGGGGCAGGGGTGCTGAGTGGCAGAGAGGGTGAAGCCC[G>C]TCACCTGATTTCTCATGGAATCAGCCCGGATGGGGTCTTCCGCAGCCAGTGCAGCGCTGC-3'

ClinVar aggregate classification (germline): Uncertain significance. Review status: criteria provided, multiple submitters, no conflicts (2 of 4 stars). 3 submissions from 3 submitters: Uncertain significance (2). 1 of the submissions does not count toward it. Last evaluated 2024-05-16.

Conditions:
CACNA1S-related disorder. Also called: CACNA1S-related condition.
Malignant hyperthermia, susceptibility to, 5 (MHS5). Also called: CACNA1S-Related Malignant Hyperthermia Susceptibility. Identifiers: Orphanet 423, MedGen C1866077, MONDO:0011163, OMIM 601887.

gnomAD v4.1: 20 of 1,605,666 alleles (0.0012%); highest among the groups gnomAD compares: Non-Finnish European, 0.0015%; no homozygotes.

Submissions (3):

Color Diagnostics, LLC DBA Color Health
Classification: Uncertain significance for Malignant hyperthermia, susceptibility to, 5. Last evaluated: 2024-05-16. Review status: criteria provided, single submitter. Criteria: ACMG Guidelines, 2015. Collection method: clinical testing. Allele origin: germline.
Comment: This variant causes a C to G nucleotide substitution at the +5 position of intron 18 of the CACNA1S gene. To our knowledge, functional studies have not been reported for this variant. This variant has not been reported in individuals affected with CACNA1S-related disorders in the literature. This variant has been identified in 3/232218 chromosomes in the general population by the Genome Aggregation Database (gnomAD). The available evidence is insufficient to determine the role of this variant in disease conclusively. Therefore, this variant is classified as a Variant of Uncertain Significance.

All of Us Research Program, National Institutes of Health
Classification: Uncertain significance for Malignant hyperthermia, susceptibility to, 5. Last evaluated: 2023-08-15. Review status: criteria provided, single submitter. Criteria: ACMG Guidelines, 2015. Collection method: clinical testing. Allele origin: germline. Inheritance: Autosomal dominant inheritance. Observed: 2 variant alleles, 2 heterozygotes.
Comment: This variant causes a C to G nucleotide substitution at the +5 position of intron 18 of the CACNA1S gene. To our knowledge, functional studies have not been reported for this variant. This variant has not been reported in individuals affected with CACNA1S-related disorders in the literature. This variant has been identified in 3/232218 chromosomes in the general population by the Genome Aggregation Database (gnomAD). The available evidence is insufficient to determine the role of this variant in disease conclusively. Therefore, this variant is classified as a Variant of Uncertain Significance.

This study involves interpretation of variants in research participants for the purpose of population health screening. Participant phenotype was not available at the time of variant classification. Additional details can be found in publication PMID: 35346344, PMCID: PMC8962531

PreventionGenetics, part of Exact Sciences
Classification: Likely benign for CACNA1S-related condition. Last evaluated: 2019-06-01. Review status: no assertion criteria provided. Collection method: clinical testing. Allele origin: germline. Not counted in ClinVar's aggregate classification.
Comment: This variant is classified as likely benign based on ACMG/AMP sequence variant interpretation guidelines (Richards et al. 2015 PMID: 25741868, with internal and published modifications).